The following is an entry in ClinVar:

NM_005909.5(MAP1B):c.1160A>T (p.Tyr387Phe)

Gene: MAP1B (microtubule associated protein 1B; plus strand). Cytogenetic location: 5q13.2.
Variant type: single nucleotide variant.
Coding change: c.1160A>T on transcript NM_005909.5 (MANE Select); coding-DNA position 1160, A replaced by T.
Protein change: p.Tyr387Phe; replaces tyrosine 387 with phenylalanine.
Molecular consequence: missense variant.
Genome position (GRCh38, 1-based): chr5:72,194,515, A>T. VCF-style: chr5-72194515-A-T. GRCh37 (hg19) VCF-style: chr5-71490342-A-T.
Other names: c.782A>T, p.Tyr261Phe (NM_001324255.2); short protein forms Y261F, Y387F.
Identifiers: ClinVar variation 3373345 (VCV003373345.1).

ClinVar aggregate classification (germline): Uncertain significance (1 of 4 stars; one submission).

Submission:

GeneDx
Classification: Uncertain significance. Last evaluated: 2024-04-30. Review status: criteria provided, single submitter. Criteria: GeneDx Variant Classification Process June 2021. Collection method: clinical testing. Allele origin: germline. Affected: yes.
Comment: Not observed at significant frequency in large population cohorts (gnomAD); In silico analysis supports that this missense variant has a deleterious effect on protein structure/function; Has not been previously published as pathogenic or benign to our knowledge